The following is an entry in ClinVar:

NM_003482.4(KMT2D):c.10926G>A (p.Gln3642=)

Gene: KMT2D (lysine methyltransferase 2D; minus strand). Cytogenetic location: 12q13.12.
Variant type: single nucleotide variant.
Coding change: c.10926G>A on transcript NM_003482.4 (MANE Select); coding-DNA position 10926, G replaced by A.
Protein change: p.Gln3642=; no amino-acid change (glutamine 3642 retained).
Molecular consequence: synonymous variant.
Genome position (GRCh38, 1-based): chr12:49,033,779, C>T on the plus strand (G>A on the coding strand, the complement: KMT2D is on the minus strand). VCF-style: chr12-49033779-C-T. GRCh37 (hg19) VCF-style: chr12-49427562-C-T.
Identifiers: ClinVar variation 752854 (VCV000752854.30), dbSNP rs770535654, ClinGen allele CA6546401.

ClinVar aggregate classification (germline): Conflicting classifications of pathogenicity. Review status: criteria provided, conflicting classifications (1 of 4 stars). 3 submissions from 3 submitters: Uncertain significance (1); Likely benign (2). Last evaluated 2025-03-31.

Conditions:
Choanal atresia-athelia-hypothyroidism-delayed puberty-short stature syndrome (BCAHH). Also called: BRANCHIAL ARCH ABNORMALITIES, CHOANAL ATRESIA, ATHELIA, HEARING LOSS, AND HYPOTHYROIDISM SYNDROME. Identifiers: Orphanet 589856, MedGen C5680310, MONDO:0035651, OMIM 620186.
Kabuki syndrome 1 (KABUK1). Also called: KMT2D-Related Kabuki Syndrome. Identifiers: Orphanet 2322, MedGen CN030661, MONDO:0007843, OMIM 147920.
Kabuki syndrome. Also called: Kabuki make-up syndrome; NIIKAWA-KUROKI SYNDROME. Identifiers: Orphanet 2322, MedGen C0796004, MONDO:0016512.

Allele frequency attached by ClinVar (database versions not stated): gnomAD 0.00001; gnomAD exomes 0.00001 and 0.00004; ExAC 0.00002.
gnomAD v4.1: 21 of 1,606,682 alleles (0.0013%); highest among the groups gnomAD compares: Admixed American, 0.0034%; no homozygotes.

Submissions (3):

Labcorp Genetics (formerly Invitae), Labcorp
Classification: Likely benign for Kabuki syndrome. Last evaluated: 2025-03-31. Review status: criteria provided, single submitter. Criteria: Invitae Variant Classification Sherloc (09022015). Collection method: clinical testing. Allele origin: germline.

Fulgent Genetics
Classification: Uncertain significance for Kabuki syndrome 1; Choanal atresia-athelia-hypothyroidism-delayed puberty-short stature syndrome. Last evaluated: 2024-05-01. Review status: criteria provided, single submitter. Criteria: ACMG Guidelines, 2015. Collection method: clinical testing. Allele origin: germline.

CeGaT Center for Human Genetics Tuebingen
Classification: Likely benign. Last evaluated: 2022-10-01. Review status: criteria provided, single submitter. Criteria: CeGaT Center For Human Genetics Tuebingen Variant Classification Criteria Version 2. Collection method: clinical testing. Allele origin: germline. Affected: yes. Observed: 1 variant allele.
Comment: KMT2D: BP4, BP7